The following is an entry in ClinVar:

ClinVar aggregate classification (germline): Benign/Likely benign. Review status: criteria provided, multiple submitters, no conflicts (2 of 4 stars). 5 submissions from 5 submitters: Benign (2); Likely benign (3). Last evaluated 2025-09-08.

Conditions:
Emery-Dreifuss muscular dystrophy 4, autosomal dominant (EDMD4). Also called: EMERY-DREIFUSS MUSCULAR DYSTROPHY 4 WITH VARIABLE FEATURES. Identifiers: Orphanet 261, MedGen C2751807, MONDO:0013071, OMIM 612998.
Autosomal recessive ataxia, Beauce type. Also called: Spinocerebellar ataxia, autosomal recessive 8; ATAXIA, RECESSIVE, OF BEAUCE; SYNE1-Related Autosomal Recessive Cerebellar Ataxia; SYNE1 Deficiency. Identifiers: Orphanet 88644, MedGen C1853116, MONDO:0012549, OMIM 610743.

Allele frequency attached by ClinVar (database versions not stated): ExAC 0.00030; TOPMed 0.00050; gnomAD 0.00054 and 0.00056; 1000 Genomes Project 0.00060; 1000 Genomes Project 30x 0.00062; ESP Exome Variant Server 0.00069.
gnomAD v4.1: 209 of 1,614,076 alleles (0.013%); highest among the groups gnomAD compares: African/African-American, 0.15%; no homozygotes.

Submissions (5):

Labcorp Genetics (formerly Invitae), Labcorp
Classification: Benign for Emery-Dreifuss muscular dystrophy 4, autosomal dominant; Autosomal recessive ataxia, Beauce type. Last evaluated: 2025-09-08. Review status: criteria provided, single submitter. Criteria: Invitae Variant Classification Sherloc (09022015). Collection method: clinical testing. Allele origin: germline.

Blueprint Genetics
Classification: Likely benign. Last evaluated: 2022-04-18. Review status: criteria provided, single submitter. Criteria: ACMG Guidelines, 2015. Collection method: clinical testing. Allele origin: germline.

Athena Diagnostics
Classification: Benign. Last evaluated: 2019-12-27. Review status: criteria provided, single submitter. Criteria: Athena Diagnostics Criteria. Collection method: clinical testing. Allele origin: unknown.

GeneDx
Classification: Likely benign. Last evaluated: 2018-03-08. Review status: criteria provided, single submitter. Criteria: GeneDx Variant Classification (06012015). Collection method: clinical testing. Allele origin: germline. Affected: yes.
Comment: This variant is considered likely benign or benign based on one or more of the following criteria: it is a conservative change, it occurs at a poorly conserved position in the protein, it is predicted to be benign by multiple in silico algorithms, and/or has population frequency not consistent with disease.

Breakthrough Genomics
Classification: Likely benign. Review status: criteria provided, single submitter. Criteria: ACMG Guidelines, 2015. Collection method: not provided. Allele origin: germline. Inheritance: Autosomal recessive inheritance. Affected: yes.

NM_182961.4(SYNE1):c.3669+10T>C

Gene: SYNE1 (spectrin repeat containing nuclear envelope protein 1; minus strand). Cytogenetic location: 6q25.2.
Variant type: single nucleotide variant.
Coding change: c.3669+10T>C on transcript NM_182961.4 (MANE Select); 10 bases into the intron after coding-DNA position 3669, T replaced by C.
Molecular consequence: intron variant.
Genome position (GRCh38, 1-based): chr6:152,447,448, A>G on the plus strand (T>C on the coding strand, the complement: SYNE1 is on the minus strand). VCF-style: chr6-152447448-A-G. GRCh37 (hg19) VCF-style: chr6-152768583-A-G.
Other names: c.3690+10T>C (NM_033071.5).
Identifiers: ClinVar variation 516002 (VCV000516002.15), dbSNP rs187598275, ClinGen allele CA4058787.